The following is an entry in ClinVar:

ClinVar aggregate classification (germline): Likely pathogenic (1 of 4 stars; one submission).

Conditions:
Familial adenomatous polyposis 2. Also called: MUTYH Polyposis; FAP type 2; Adenomas, multiple colorectal; COLORECTAL ADENOMATOUS POLYPOSIS, AUTOSOMAL RECESSIVE; ADENOMAS, MULTIPLE COLORECTAL, AUTOSOMAL RECESSIVE; MUTYH-associated polyposis. Identifiers: Orphanet 220460, Orphanet 247798, MedGen C3272841, MONDO:0012041, OMIM 608456.

Submission:

Labcorp Genetics (formerly Invitae), Labcorp
Classification: Likely pathogenic for Familial adenomatous polyposis 2. Last evaluated: 2022-09-17. Review status: criteria provided, single submitter. Criteria: Invitae Variant Classification Sherloc (09022015). Collection method: clinical testing. Allele origin: germline.
Comment: In summary, the currently available evidence indicates that the variant is pathogenic, but additional data are needed to prove that conclusively. Therefore, this variant has been classified as Likely Pathogenic. Other variant(s) that result in skipping of exon 15 have been determined to be pathogenic (PMID: 17949294, 19806110, 20618354, 25820570). This suggests that this variant may also be clinically significant and likely to be disease-causing. A similar copy number variant has been observed in individual(s) with clinical features of MUTYH-related conditions (PMID: 27829682). This variant is a gross deletion of the genomic region encompassing exon(s) 15 of the MUTYH gene. This variant would be expected to be in-frame, preserving the integrity of the reading frame.

Literature cited by the submitters: PubMed 17949294; PubMed 19806110; PubMed 20618354; PubMed 25820570; PubMed 27829682.

NC_000001.10:g.(?_45796178)_(45796257_?)del

Gene: MUTYH (mutY DNA glycosylase; minus strand). Cytogenetic location: 1p34.1.
Variant type: Deletion.
Identifiers: ClinVar variation 2423771 (VCV002423771.4).